The following is an entry in ClinVar:

NM_020699.4(GATAD2B):c.775A>G (p.Met259Val)

Gene: GATAD2B (GATA zinc finger domain containing 2B; minus strand). Cytogenetic location: 1q21.3.
Variant type: single nucleotide variant.
Coding change: c.775A>G on transcript NM_020699.4 (MANE Select); coding-DNA position 775, A replaced by G.
Protein change: p.Met259Val; replaces methionine 259 with valine.
Molecular consequence: missense variant.
Genome position (GRCh38, 1-based): chr1:153,817,497, T>C on the plus strand (A>G on the coding strand, the complement: GATAD2B is on the minus strand). VCF-style: chr1-153817497-T-C. GRCh37 (hg19) VCF-style: chr1-153789973-T-C.
Other names: short protein forms M259V.
Identifiers: ClinVar variation 1498606 (VCV001498606.6), dbSNP rs868424420, ClinGen allele CA342530799.
Genomic context (GRCh38, chr1:153,817,497, plus strand): 5'-GGCCCCGCTGACCCTGTAGCTGGGCTGGGTTTGGTGCAATAACACGTTGAGACATCAACA[T>C]GTGTGGAAGGGTGGTATTGGTAGCTGAACGGATGACACTGTGACCCTGGAGGGGAAGAAG-3'
Protein context (NP_065750.1, residues 249-269): RSATNTTLPH[Met259Val]LMSQRVIAPN

ClinVar aggregate classification (germline): Uncertain significance (1 of 4 stars; one submission).

Allele frequency attached by ClinVar (database versions not stated): gnomAD 0.00001; gnomAD exomes 0.00001; TOPMed 0.00001.
gnomAD v4.1: 15 of 1,611,554 alleles (0.00093%); highest among the groups gnomAD compares: Admixed American, 0.0017%; no homozygotes.

Submission:

Labcorp Genetics (formerly Invitae), Labcorp
Classification: Uncertain significance. Last evaluated: 2026-02-02. Review status: criteria provided, single submitter. Criteria: Invitae Variant Classification Sherloc (09022015). Collection method: clinical testing. Allele origin: germline.
Comment: This sequence change replaces methionine, which is neutral and non-polar, with valine, which is neutral and non-polar, at codon 259 of the GATAD2B protein (p.Met259Val). This variant is not present in population databases (gnomAD no frequency). This variant has not been reported in the literature in individuals affected with GATAD2B-related conditions. ClinVar contains an entry for this variant (Variation ID: 1498606). Invitae Evidence Modeling of protein sequence and biophysical properties (such as structural, functional, and spatial information, amino acid conservation, physicochemical variation, residue mobility, and thermodynamic stability) indicates that this missense variant is not expected to disrupt GATAD2B protein function with a negative predictive value of 80%. In summary, the available evidence is currently insufficient to determine the role of this variant in disease. Therefore, it has been classified as a Variant of Uncertain Significance.